The following is an entry in ClinVar:

NM_000138.5(FBN1):c.3166del (p.Asp1056fs)

Gene: FBN1 (fibrillin 1; minus strand). Cytogenetic location: 15q21.1.
Variant type: Deletion.
Coding change: c.3166del on transcript NM_000138.5 (MANE Select); coding-DNA position 3166, one base deleted (G; older notation c.3166delG).
Protein change: p.Asp1056fs; shifts the reading frame from aspartic acid 1056.
Molecular consequence: frameshift variant.
Genome position (GRCh38, 1-based): chr15:48,488,410, C deleted on the plus strand (G on the coding strand, the reverse complement: FBN1 is on the minus strand). VCF-style (leftmost placement, unchanged base first): chr15-48488409-TC-T. GRCh37 (hg19) VCF-style: chr15-48780606-TC-T.
Other names: c.3166delG (NM_000138.4); short protein forms D1056fs.
Identifiers: ClinVar variation 406261 (VCV000406261.7), dbSNP rs1060501013, ClinGen allele CA16614521.

ClinVar aggregate classification (germline): Pathogenic. Review status: criteria provided, single submitter (1 of 4 stars). 2 submissions from 1 submitter: Pathogenic (2). Last evaluated 2023-02-09.

Conditions:
Marfan syndrome (MFS). Also called: Marfan syndrome, classic; Marfan syndrome type 1; Marfan's syndrome; MARFAN SYNDROME, TYPE I; FBN1-Related Marfan Syndrome. Identifiers: Orphanet 284963, Orphanet 558, MedGen C0024796, MONDO:0007947, OMIM 154700.
Familial thoracic aortic aneurysm and aortic dissection (TAAD). Also called: Thoracic aortic aneurysms and dissections. Identifiers: Orphanet 91387, MedGen C4707243, MONDO:0019625.

Submissions (2):

Labcorp Genetics (formerly Invitae), Labcorp
Classification: Pathogenic for Marfan syndrome; Familial thoracic aortic aneurysm and aortic dissection. Last evaluated: 2023-02-09. Review status: criteria provided, single submitter. Criteria: Invitae Variant Classification Sherloc (09022015). Collection method: clinical testing. Allele origin: germline.
Comment: For these reasons, this variant has been classified as Pathogenic. ClinVar contains an entry for this variant (Variation ID: 406261). This variant has not been reported in the literature in individuals affected with FBN1-related conditions. This variant is not present in population databases (gnomAD no frequency). This sequence change creates a premature translational stop signal (p.Asp1056Thrfs*32) in the FBN1 gene. It is expected to result in an absent or disrupted protein product. Loss-of-function variants in FBN1 are known to be pathogenic (PMID: 17657824, 19293843).

Labcorp Genetics (formerly Invitae), Labcorp
Classification: Pathogenic for Marfan syndrome. Last evaluated: 2016-10-05. Review status: criteria provided, single submitter. Criteria: Invitae Variant Classification Sherloc (09022015). Collection method: clinical testing. Allele origin: germline.
Comment: This sequence change deletes 1 nucleotide from exon 26 of the FBN1 mRNA (c.3166delG), causing a frameshift at codon 1056. This creates a premature translational stop signal (p.Asp1056Thrfs*32) and is expected to result in an absent or disrupted protein product. While this particular variant has not been reported in the literature, loss-of-function variants in FBN1 are known to be pathogenic (PMID: 17657824, 19293843). For these reasons, this variant has been classified as Pathogenic.

Literature cited by the submitters: PubMed 17657824; PubMed 19293843.